The following is an entry in ClinVar:

NM_018344.6(SLC29A3):c.1+80G>A

Genes: SLC29A3 (solute carrier family 29 member 3; plus strand), LOC130004025 (ATAC-STARR-seq lymphoblastoid silent region 2461; plus strand). Cytogenetic location: 10q22.1.
Variant type: single nucleotide variant.
Coding change: c.1+80G>A on transcript NM_018344.6 (MANE Select); 80 bases into the intron after coding-DNA position 1, G replaced by A.
Molecular consequence: intron variant. On other transcripts: 5 prime UTR variant (1).
Genome position (GRCh38, 1-based): chr10:71,319,390, G>A. VCF-style: chr10-71319390-G-A. GRCh37 (hg19) VCF-style: chr10-73079147-G-A.
Other names: c.-575G>A (NM_001363518.2); c.1+80G>A (NM_001174098.2).
Identifiers: ClinVar variation 1220931 (VCV001220931.6), dbSNP rs17525188, ClinGen allele CA13159119.

ClinVar aggregate classification (germline): Benign. Review status: criteria provided, multiple submitters, no conflicts (2 of 4 stars). 3 submissions from 3 submitters: Benign (3). Last evaluated 2024-01-24.

Allele frequency attached by ClinVar (database versions not stated): gnomAD exomes 0.42803; TOPMed 0.47332; gnomAD 0.47699 and 0.48047; 1000 Genomes Project 0.48243; 1000 Genomes Project 30x 0.48860.

Submissions (3):

Unidad de Genómica Garrahan, Hospital de Pediatría Garrahan
Classification: Benign. Last evaluated: 2024-01-24. Review status: criteria provided, single submitter. Criteria: ACMG Guidelines, 2015. Collection method: clinical testing. Allele origin: germline. Affected: no. Observed: 42 variant alleles.
Comment: This variant is classified as Benign based on local population frequency. This variant was detected in 48% of patients studied by a panel of primary immunodeficiencies. Number of patients: 42. Only high quality variants are reported.

GeneDx
Classification: Benign. Last evaluated: 2018-11-12. Review status: criteria provided, single submitter. Criteria: GeneDx Variant Classification Process June 2021. Collection method: clinical testing. Allele origin: germline. Affected: yes.

Breakthrough Genomics
Classification: Benign. Review status: criteria provided, single submitter. Criteria: ACMG Guidelines, 2015. Collection method: not provided. Allele origin: germline. Inheritance: Autosomal recessive inheritance. Affected: yes.